The following is an entry in ClinVar:

ClinVar aggregate classification (germline): Pathogenic (1 of 4 stars; one submission).

Conditions:
Intellectual disability-facial dysmorphism syndrome due to SETD5 haploinsufficiency (MRD23). Also called: Intellectual developmental disorder, autosomal dominant 23. Identifiers: Orphanet 404440, MedGen C3810406, MONDO:0014336, OMIM 615761.

Submission:

Institute of Human Genetics, Clinical Exome/Genome Diagnostics Group, University Hospital Bonn
Classification: Pathogenic for Intellectual disability-facial dysmorphism syndrome due to SETD5 haploinsufficiency. Last evaluated: 2022-01-26. Review status: criteria provided, single submitter. Criteria: ACMG Guidelines, 2015. Collection method: clinical testing. Allele origin: de novo. Affected: yes.
Comment: PVS1, PM2, PM6

NM_001080517.3(SETD5):c.1028dup (p.Gly344fs)

Gene: SETD5 (SET domain containing 5; plus strand). Cytogenetic location: 3p25.3.
Variant type: Duplication.
Coding change: c.1028dup on transcript NM_001080517.3 (MANE Select); coding-DNA position 1028, one base duplicated (T; older notation c.1028dupT).
Protein change: p.Gly344fs; shifts the reading frame from glycine 344.
Molecular consequence: frameshift variant.
Genome position (GRCh38, 1-based): chr3:9,442,196, T duplicated; the last of 3 consecutive T bases (chr3:9,442,194-9,442,196); duplicating any one gives the same sequence. VCF-style (leftmost placement, unchanged base first): chr3-9442193-C-CT. GRCh37 (hg19) VCF-style: chr3-9483877-C-CT.
Other names: c.734dup, p.Gly246fs (NM_001292043.2, NM_001349451.2); short protein forms G246fs, G344fs.
Identifiers: ClinVar variation 1343278 (VCV001343278.1), dbSNP rs2125194140, ClinGen allele CA2573052251.